The following is an entry in ClinVar:

NM_000124.4(ERCC6):c.527G>A (p.Arg176Gln)

Gene: ERCC6 (ERCC excision repair 6, chromatin remodeling factor; minus strand). Cytogenetic location: 10q11.23.
Variant type: single nucleotide variant.
Coding change: c.527G>A on transcript NM_000124.4 (MANE Select); coding-DNA position 527, G replaced by A.
Protein change: p.Arg176Gln; replaces arginine 176 with glutamine.
Molecular consequence: missense variant.
Genome position (GRCh38, 1-based): chr10:49,530,736, C>T on the plus strand (G>A on the coding strand, the complement: ERCC6 is on the minus strand). VCF-style: chr10-49530736-C-T. GRCh37 (hg19) VCF-style: chr10-50738782-C-T.
Other names: c.527G>A, p.Arg176Gln (NM_001277058.2, NM_001277059.2, NM_001346440.2); short protein forms R176Q.
Identifiers: ClinVar variation 1505736 (VCV001505736.5), dbSNP rs1442811418, ClinGen allele CA376710256.

ClinVar aggregate classification (germline): Uncertain significance. Review status: criteria provided, multiple submitters, no conflicts (2 of 4 stars). 2 submissions from 2 submitters: Uncertain significance (2). Last evaluated 2023-12-11.

Conditions:
DE SANCTIS-CACCHIONE SYNDROME. Identifiers: MedGen C0265201, MONDO:0010217, OMIM 278800.

gnomAD v4.1: 1 of 1,613,314 alleles (0.000062%); highest among the groups gnomAD compares: South Asian, 0.0011%; no homozygotes.

Submissions (2):

Labcorp Genetics (formerly Invitae), Labcorp
Classification: Uncertain significance. Last evaluated: 2023-12-11. Review status: criteria provided, single submitter. Criteria: Invitae Variant Classification Sherloc (09022015). Collection method: clinical testing. Allele origin: germline.
Comment: This sequence change replaces arginine, which is basic and polar, with glutamine, which is neutral and polar, at codon 176 of the ERCC6 protein (p.Arg176Gln). This variant is not present in population databases (gnomAD no frequency). This variant has not been reported in the literature in individuals affected with ERCC6-related conditions. ClinVar contains an entry for this variant (Variation ID: 1505736). Advanced modeling of protein sequence and biophysical properties (such as structural, functional, and spatial information, amino acid conservation, physicochemical variation, residue mobility, and thermodynamic stability) performed at Invitae indicates that this missense variant is not expected to disrupt ERCC6 protein function with a negative predictive value of 95%. In summary, the available evidence is currently insufficient to determine the role of this variant in disease. Therefore, it has been classified as a Variant of Uncertain Significance.

Laboratorio de Genetica e Diagnostico Molecular, Hospital Israelita Albert Einstein
Classification: Uncertain significance for DE SANCTIS-CACCHIONE SYNDROME. Last evaluated: 2022-04-22. Review status: criteria provided, single submitter. Criteria: ACMG Guidelines, 2015. Collection method: clinical testing. Allele origin: germline. Affected: yes.
Comment: ACMG classification criteria: PM2 moderated, BP4 supporting